The following is an entry in ClinVar:

NM_014283.5(SUCO):c.579C>G (p.Asp193Glu)

Gene: SUCO (SUN domain containing ossification factor; plus strand). Cytogenetic location: 1q24.3.
Variant type: single nucleotide variant.
Coding change: c.579C>G on transcript NM_014283.5 (MANE Select); coding-DNA position 579, C replaced by G.
Protein change: p.Asp193Glu; replaces aspartic acid 193 with glutamic acid.
Molecular consequence: missense variant. On other transcripts: 5 prime UTR variant (1).
Genome position (GRCh38, 1-based): chr1:172,557,415, C>G. VCF-style: chr1-172557415-C-G. GRCh37 (hg19) VCF-style: chr1-172526555-C-G.
Other names: c.1053C>G, p.Asp351Glu (NM_016227.4); c.468C>G, p.Asp156Glu (NM_001282750.2); c.-951C>G (NM_001282751.2); c.579C>G (NM_014283.3); short protein forms D193E, D156E, D351E.
Identifiers: ClinVar variation 2139955 (VCV002139955.5), dbSNP rs1044499681, ClinGen allele CA32709080.

ClinVar aggregate classification (germline): Conflicting classifications of pathogenicity. Review status: criteria provided, conflicting classifications (1 of 4 stars). 2 submissions from 2 submitters: Uncertain significance (1); Likely benign (1). Last evaluated 2025-06-07.

Submissions (2):

Ambry Genetics
Classification: Likely benign. Last evaluated: 2025-06-07. Review status: criteria provided, single submitter. Criteria: Ambry Variant Classification Scheme 2023. Collection method: clinical testing. Allele origin: germline.

Labcorp Genetics (formerly Invitae), Labcorp
Classification: Uncertain significance. Last evaluated: 2022-07-02. Review status: criteria provided, single submitter. Criteria: Invitae Variant Classification Sherloc (09022015). Collection method: clinical testing. Allele origin: germline.
Comment: This sequence change replaces aspartic acid, which is acidic and polar, with glutamic acid, which is acidic and polar, at codon 193 of the SUCO protein (p.Asp193Glu). In summary, the available evidence is currently insufficient to determine the role of this variant in disease. Therefore, it has been classified as a Variant of Uncertain Significance. Algorithms developed to predict the effect of missense changes on protein structure and function output the following: SIFT: "Tolerated"; PolyPhen-2: "Benign"; Align-GVGD: "Class C0". The glutamic acid amino acid residue is found in multiple mammalian species, which suggests that this missense change does not adversely affect protein function. This variant has not been reported in the literature in individuals affected with SUCO-related conditions. This variant is present in population databases (no rsID available, gnomAD 0.003%).